The following is an entry in ClinVar:

ClinVar aggregate classification (germline): Uncertain significance (1 of 4 stars; one submission).

Submission:

Labcorp Genetics (formerly Invitae), Labcorp
Classification: Uncertain significance. Last evaluated: 2022-07-16. Review status: criteria provided, single submitter. Criteria: Invitae Variant Classification Sherloc (09022015). Collection method: clinical testing. Allele origin: germline.
Comment: This variant is not present in population databases (gnomAD no frequency). This variant has not been reported in the literature in individuals affected with RPL9-related conditions. Algorithms developed to predict the effect of missense changes on protein structure and function are either unavailable or do not agree on the potential impact of this missense change (SIFT: "Tolerated"; PolyPhen-2: "Possibly Damaging"; Align-GVGD: "Class C0"). In summary, the available evidence is currently insufficient to determine the role of this variant in disease. Therefore, it has been classified as a Variant of Uncertain Significance. This sequence change replaces glutamine, which is neutral and polar, with histidine, which is basic and polar, at codon 138 of the RPL9 protein (p.Gln138His).

NM_000661.5(RPL9):c.414A>C (p.Gln138His)

Gene: RPL9 (ribosomal protein L9; minus strand). Cytogenetic location: 4p14.
Variant type: single nucleotide variant.
Coding change: c.414A>C on transcript NM_000661.5 (MANE Select); coding-DNA position 414, A replaced by C.
Protein change: p.Gln138His; replaces glutamine 138 with histidine.
Molecular consequence: missense variant.
Genome position (GRCh38, 1-based): chr4:39,454,922, T>G on the plus strand (A>C on the coding strand, the complement: RPL9 is on the minus strand). VCF-style: chr4-39454922-T-G. GRCh37 (hg19) VCF-style: chr4-39456542-T-G.
Other names: c.414A>C, p.Gln138His (NM_001024921.4); short protein forms Q138H.
Identifiers: ClinVar variation 1716066 (VCV001716066.5), dbSNP rs200690365, ClinGen allele CA356662119.
Genomic context (GRCh38, chr4:39,454,922, plus strand): 5'-ACCTGAATTTGAAACAAGCTCAATGTCATTTCCTTCAAGGATTAATTCATCTTTCTGGGC[T>G]TGAGATACTGAACAAGCAACACCTAAAAGGGGAGAGGGCATTTGCACAGCATCAAATCTG-3'
Protein context (NP_000652.2, residues 128-148): MRPGVACSVS[Gln138His]AQKDELILEG